The following is an entry in ClinVar:

ClinVar aggregate classification (germline): Likely pathogenic (1 of 4 stars; one submission).

Conditions:
Heterotaxy, visceral, 5, autosomal (HTX5). Also called: Heterotaxy, visceral, 5. Identifiers: Orphanet 450, MedGen C3495537, MONDO:0700112, OMIM 270100.

Submission:

Victorian Clinical Genetics Services, Murdoch Childrens Research Institute
Classification: Likely pathogenic for Heterotaxy, visceral, 5, autosomal. Last evaluated: 2023-07-17. Review status: criteria provided, single submitter. Criteria: ACMG Guidelines, 2015. Collection method: clinical testing. Allele origin: germline. Inheritance: Autosomal dominant inheritance. Affected: yes.
Comment: Based on the classification scheme VCGS_Germline_v1.3.4, this variant is classified as Likely pathogenic. Following criteria are met: 0102 - Loss of function is a mechanism of disease in this gene and is associated with visceral heterotaxy 5 (MIM#270100). (I) 0107 - This gene is associated with autosomal dominant disease. (I) 0201 - Variant is predicted to cause nonsense-mediated decay (NMD) and loss of protein (premature termination codon is located at least 54 nucleotides upstream of the final exon-exon junction). (SP) 0251 - This variant is heterozygous. (I) 0301 - Variant is absent from gnomAD (both v2 and v3). (SP) 0704 - Other null variants comparable to the one identified in this case have limited previous evidence for pathogenicity. There are three NMD-predicted variants that have been classified as pathogenic by Invitae and another NMD-predicted variant that has been classified as a VUS by King Faisal Specialist Hospital & Research Centre. (ClinVar). (SP) 0807 - This variant has no previous evidence of pathogenicity. (I) 0902 - This variant has moderate evidence for segregation with disease. This variant has been shown in the proband’s family to segregate in six affected individuals. (SP) 1007 - No published functional evidence has been identified for this variant. (I) Legend: (SP) - Supporting pathogenic, (I) - Information, (SB) - Supporting benign

NM_018055.5(NODAL):c.158_165del (p.Pro53fs)

Gene: NODAL (nodal growth differentiation factor; minus strand). Cytogenetic location: 10q22.1.
Variant type: Deletion.
Coding change: c.158_165del on transcript NM_018055.5 (MANE Select); coding-DNA positions 158 to 165, 8 bases deleted (CGAGGGCA; older notation c.158_165delCGAGGGCA).
Protein change: p.Pro53fs; shifts the reading frame from proline 53.
Molecular consequence: frameshift variant. On other transcripts: intron variant (1).
Genome position (GRCh38, 1-based): chr10:70,441,503-70,441,510, TGCCCTCG deleted on the plus strand (CGAGGGCA on the coding strand, the reverse complement: NODAL is on the minus strand). VCF-style (leftmost placement, unchanged base first): chr10-70441502-CTGCCCTCG-C. GRCh37 (hg19) VCF-style: chr10-72201258-CTGCCCTCG-C.
Other names: c.-206-5527_-206-5520del (NM_001329906.2); short protein forms P53fs.
Identifiers: ClinVar variation 1805542 (VCV001805542.3), dbSNP rs2493095831, ClinGen allele CA923726202.